The following is an entry in ClinVar:

NM_000138.5(FBN1):c.4511A>G (p.Asn1504Ser)

Gene: FBN1 (fibrillin 1; minus strand). Cytogenetic location: 15q21.1.
Variant type: single nucleotide variant.
Coding change: c.4511A>G on transcript NM_000138.5 (MANE Select); coding-DNA position 4511, A replaced by G.
Protein change: p.Asn1504Ser; replaces asparagine 1504 with serine.
Molecular consequence: missense variant.
Genome position (GRCh38, 1-based): chr15:48,468,483, T>C on the plus strand (A>G on the coding strand, the complement: FBN1 is on the minus strand). VCF-style: chr15-48468483-T-C. GRCh37 (hg19) VCF-style: chr15-48760680-T-C.
Other names: short protein forms N1504S.
Identifiers: ClinVar variation 549239 (VCV000549239.7), dbSNP rs1555397209, ClinGen allele CA392353610.

ClinVar aggregate classification (germline): Conflicting classifications of pathogenicity. Review status: criteria provided, conflicting classifications (1 of 4 stars). 3 submissions from 3 submitters: Pathogenic (1); Uncertain significance (1). 1 of the submissions does not count toward it. Last evaluated 2022-10-07.

Conditions:
Familial thoracic aortic aneurysm and aortic dissection (TAAD). Also called: Thoracic aortic aneurysms and dissections. Identifiers: Orphanet 91387, MedGen C4707243, MONDO:0019625.
Marfan syndrome (MFS). Also called: Marfan syndrome type 1; Marfan syndrome, classic; Marfan's syndrome; FBN1-Related Marfan Syndrome; MARFAN SYNDROME, TYPE I. Identifiers: Orphanet 284963, Orphanet 558, MedGen C0024796, MONDO:0007947, OMIM 154700.

Allele frequency attached by ClinVar (database versions not stated): gnomAD exomes below 0.00001.
gnomAD v4.1: 1 of 1,614,158 alleles (0.000062%); highest among the groups gnomAD compares: Non-Finnish European, 0.000085%; no homozygotes.

Submissions (3):

Labcorp Genetics (formerly Invitae), Labcorp
Classification: Pathogenic for Marfan syndrome; Familial thoracic aortic aneurysm and aortic dissection. Last evaluated: 2022-10-07. Review status: criteria provided, single submitter. Criteria: Invitae Variant Classification Sherloc (09022015). Collection method: clinical testing. Allele origin: germline.
Comment: Advanced modeling of protein sequence and biophysical properties (such as structural, functional, and spatial information, amino acid conservation, physicochemical variation, residue mobility, and thermodynamic stability) performed at Invitae indicates that this missense variant is expected to disrupt FBN1 protein function. ClinVar contains an entry for this variant (Variation ID: 549239). This missense change has been observed in individuals with clinical features of FBN1-related conditions (PMID: 27906200; Invitae). This variant is not present in population databases (gnomAD no frequency). This sequence change replaces asparagine, which is neutral and polar, with serine, which is neutral and polar, at codon 1504 of the FBN1 protein (p.Asn1504Ser). This variant disrupts the p.Asn1504 amino acid residue in FBN1. Other variant(s) that disrupt this residue have been observed in individuals with FBN1-related conditions (Invitae), which suggests that this may be a clinically significant amino acid residue. For these reasons, this variant has been classified as Pathogenic.

Blueprint Genetics
Classification: Uncertain significance. Last evaluated: 2021-09-09. Review status: criteria provided, single submitter. Criteria: ACMG Guidelines, 2015. Collection method: clinical testing. Allele origin: germline.

Center for Medical Genetics Ghent, University of Ghent
Classification: Uncertain significance for Marfan syndrome. Last evaluated: 2017-11-07. Review status: no assertion criteria provided. Collection method: clinical testing. Allele origin: germline. Affected: yes. Not counted in ClinVar's aggregate classification.

Literature cited by the submitters: PubMed 27906200 (cited by Labcorp Genetics (formerly Invitae), Labcorp).